The following is an entry in ClinVar:

ClinVar aggregate classification (germline): Uncertain significance (1 of 4 stars; one submission).

Conditions:
Cardiovascular phenotype. Identifiers: MedGen CN230736.

gnomAD v4.1: 1 of 1,614,036 alleles (0.000062%); highest among the groups gnomAD compares: South Asian, 0.0011%; no homozygotes.

Submission:

Ambry Genetics
Classification: Uncertain significance for Cardiovascular phenotype. Last evaluated: 2024-10-07. Review status: criteria provided, single submitter. Criteria: Ambry Variant Classification Scheme 2023. Collection method: clinical testing. Allele origin: germline.
Comment: The p.M267V variant (also known as c.799A>G), located in coding exon 8 of the ANKRD1 gene, results from an A to G substitution at nucleotide position 799. The methionine at codon 267 is replaced by valine, an amino acid with highly similar properties. This amino acid position is conserved. In addition, the in silico prediction for this alteration is inconclusive. Based on the available evidence, the clinical significance of this variant remains unclear.

NM_014391.3(ANKRD1):c.799A>G (p.Met267Val)

Gene: ANKRD1 (ankyrin repeat domain 1; minus strand). Cytogenetic location: 10q23.31.
Variant type: single nucleotide variant.
Coding change: c.799A>G on transcript NM_014391.3 (MANE Select); coding-DNA position 799, A replaced by G.
Protein change: p.Met267Val; replaces methionine 267 with valine.
Molecular consequence: missense variant.
Genome position (GRCh38, 1-based): chr10:90,915,593, T>C on the plus strand (A>G on the coding strand, the complement: ANKRD1 is on the minus strand). VCF-style: chr10-90915593-T-C. GRCh37 (hg19) VCF-style: chr10-92675350-T-C.
Other names: short protein forms M267V.
Identifiers: ClinVar variation 3543074 (VCV003543074.1).
Genomic context (GRCh38, chr10:90,915,593, plus strand): 5'-CAGTACTTACACAGTTCTTGATGTTGAGATCCGCGCCATACATAATCAGGAGTCGGATCA[T>C]CTTATAGCGGTTCAGTCTCACCGCATCATGCAACGGGGTATCTCCTTCCTAGAGAAGCAG-3'
Protein context (NP_055206.2, residues 257-277): HDAVRLNRYK[Met267Val]IRLLIMYGAD